The following is an entry in ClinVar:

NM_001211.6(BUB1B):c.1394G>A (p.Gly465Asp)

Gene: BUB1B (BUB1 mitotic checkpoint serine/threonine kinase B; plus strand). Cytogenetic location: 15q15.1.
Variant type: single nucleotide variant.
Coding change: c.1394G>A on transcript NM_001211.6 (MANE Select); coding-DNA position 1394, G replaced by A.
Protein change: p.Gly465Asp; replaces glycine 465 with aspartic acid.
Molecular consequence: missense variant.
Genome position (GRCh38, 1-based): chr15:40,199,720, G>A. VCF-style: chr15-40199720-G-A. GRCh37 (hg19) VCF-style: chr15-40491921-G-A.
Other names: short protein forms G465D.
Identifiers: ClinVar variation 1771601 (VCV001771601.2), dbSNP rs2542555046, ClinGen allele CA391689267.

ClinVar aggregate classification (germline): Uncertain significance (1 of 4 stars; one submission).

Conditions:
Inborn genetic diseases. Identifiers: MedGen C0950123, MeSH D030342.

Submission:

Ambry Genetics
Classification: Uncertain significance for Inborn genetic diseases. Last evaluated: 2022-07-19. Review status: criteria provided, single submitter. Criteria: Ambry Variant Classification Scheme 2023. Collection method: clinical testing. Allele origin: germline.
Comment: The p.G465D variant (also known as c.1394G>A), located in coding exon 10 of the BUB1B gene, results from a G to A substitution at nucleotide position 1394. The glycine at codon 465 is replaced by aspartic acid, an amino acid with similar properties. This amino acid position is conserved. In addition, this alteration is predicted to be tolerated by in silico analysis. Since supporting evidence is limited at this time, the clinical significance of this alteration remains unclear.